The following is an entry in ClinVar:

NM_003024.3(ITSN1):c.299_300del (p.Pro100fs)

Gene: ITSN1 (intersectin 1; plus strand). Cytogenetic location: 21q22.11.
Variant type: Deletion.
Coding change: c.299_300del on transcript NM_003024.3 (MANE Select); coding-DNA positions 299 to 300, 2 bases deleted (CT; older notation c.299_300delCT).
Protein change: p.Pro100fs; shifts the reading frame from proline 100.
Molecular consequence: frameshift variant.
Genome position (GRCh38, 1-based): chr21:33,735,157-33,735,158, CT deleted. VCF-style (leftmost placement, unchanged base first): chr21-33735156-CCT-C. GRCh37 (hg19) VCF-style: chr21-35107461-CCT-C.
Other names: c.299_300del, p.Pro100fs (NM_001001132.2, NM_001331008.2, NM_001331009.2 and 3 more transcripts); short protein forms P100fs.
Identifiers: ClinVar variation 4532495 (VCV004532495.1).

ClinVar aggregate classification (germline): Uncertain significance (1 of 4 stars; one submission).

Submission:

GeneDx
Classification: Uncertain significance. Last evaluated: 2025-05-28. Review status: criteria provided, single submitter. Criteria: GeneDx Variant Classification Process June 2021. Collection method: clinical testing. Allele origin: germline. Affected: yes.
Comment: Frameshift variant predicted to result in protein truncation or nonsense mediated decay in a gene for which loss of function is a known mechanism of disease; Has not been previously published as pathogenic or benign to our knowledge